The following is an entry in ClinVar:

ClinVar aggregate classification (germline): Pathogenic/Likely pathogenic. Review status: criteria provided, multiple submitters, no conflicts (2 of 4 stars). 6 submissions from 6 submitters: Pathogenic (4); Likely pathogenic (2). Last evaluated 2025-09-02.

Conditions:
ABCC6-related disorder. Also called: ABCC6-related condition.
Arterial calcification, generalized, of infancy, 2. Identifiers: Orphanet 51608, MedGen C3276161, MONDO:0013768, OMIM 614473.
Autosomal recessive inherited pseudoxanthoma elasticum (PXE). Identifiers: Orphanet 758, MedGen CN032334, MONDO:0009925, OMIM 264800.
Pseudoxanthoma elasticum, forme fruste. Also called: Pseudoxanthoma Elasticum, Incomplete; PSEUDOXANTHOMA ELASTICUM, HETEROZYGOUS. Identifiers: Orphanet 758, MedGen C1867450, MONDO:0008333, OMIM 177850.

Submissions (6):

PreventionGenetics, part of Exact Sciences
Classification: Pathogenic for ABCC6-related condition. Last evaluated: 2025-09-02. Review status: criteria provided, single submitter. Criteria: ACMG Guidelines, 2015. Collection method: clinical testing. Allele origin: germline.
Comment: The ABCC6 c.1999delG variant is predicted to result in a frameshift and premature protein termination (p.Ala667Glnfs*21). In the literature this variant is also referred to as c.1995delG. This variant has been reported in individuals with pseudoxanthoma elasticum (see for example: Le Saux et al. 2001. PubMed ID: 11536079; Schulz et al. 2006. PubMed ID: 16835894; Table S1, Boraldi et al. 2021. PubMed ID: 34205333; Supplemental Table S1, Stumpf et al. 2022. PubMed ID: 35261845) and heritable ectopic mineralization (Saeidian et al. 2021. PubMed ID: 34906475). This variant is reported in 0.0036% of alleles in individuals of European (Non-Finnish) descent in gnomAD and is interpreted as pathogenic/likely pathogenic in ClinVar. Frameshift variants in ABCC6 are expected to be pathogenic. This variant is interpreted as pathogenic.

Labcorp Genetics (formerly Invitae), Labcorp
Classification: Pathogenic. Last evaluated: 2025-08-02. Review status: criteria provided, single submitter. Criteria: Invitae Variant Classification Sherloc (09022015). Collection method: clinical testing. Allele origin: germline.
Comment: This sequence change creates a premature translational stop signal (p.Ala667Glnfs*21) in the ABCC6 gene. It is expected to result in an absent or disrupted protein product. Loss-of-function variants in ABCC6 are known to be pathogenic (PMID: 11536079, 17617515). This variant is present in population databases (rs72664228, gnomAD 0.003%). This premature translational stop signal has been observed in individual(s) with pseudoxanthoma elasticum (PMID: 11536079, 16835894, 17617515). This variant is also known as 1995delG. ClinVar contains an entry for this variant (Variation ID: 433256). For these reasons, this variant has been classified as Pathogenic.

GeneDx
Classification: Pathogenic. Last evaluated: 2021-12-26. Review status: criteria provided, single submitter. Criteria: GeneDx Variant Classification Process June 2021. Collection method: clinical testing. Allele origin: germline. Affected: yes.
Comment: Frameshift variant predicted to result in protein truncation or nonsense mediated decay in a gene for which loss-of-function is a known mechanism of disease; Also known as c.1995delG using alternate nomenclature; This variant is associated with the following publications: (PMID: 16127278, 11536079, 15723264, 22277295, 16835894)

Fulgent Genetics
Classification: Pathogenic for Pseudoxanthoma elasticum, forme fruste; Autosomal recessive inherited pseudoxanthoma elasticum; Arterial calcification, generalized, of infancy, 2. Last evaluated: 2021-06-30. Review status: criteria provided, single submitter. Criteria: ACMG Guidelines, 2015. Collection method: clinical testing. Allele origin: unknown.
Comment: This variant has been detected in individual(s) who were sent for testing of Renasight - kidney gene panel.

PXE International
Classification: Likely pathogenic for Autosomal recessive inherited pseudoxanthoma elasticum. Last evaluated: 2021-03-02. Review status: criteria provided, single submitter. Criteria: Submitter's publication. Collection method: research. Allele origin: germline. Inheritance: Autosomal recessive inheritance. Affected: yes. Observed: 5 variant alleles. Clinical features observed: Papule (HP:0200034), Skin plaque (HP:0200035), Angioid streaks (HP:0001102), Retinal hemorrhage (HP:0000573), Weak or absent arterial pulse, Angina pectoris (HP:0001681), Abnormal EKG (HP:0003115).

Blueprint Genetics
Classification: Likely pathogenic for ABCC6-related disorders. Last evaluated: 2020-12-01. Review status: criteria provided, single submitter. Criteria: ACMG Guidelines, 2015. Collection method: clinical testing. Allele origin: germline. Affected: yes. Observed: 4 variant alleles.

Literature cited by the submitters: PubMed 11536079 (cited by Labcorp Genetics (formerly Invitae), Labcorp); PubMed 17617515 (cited by Labcorp Genetics (formerly Invitae), Labcorp); PubMed 16835894 (cited by Labcorp Genetics (formerly Invitae), Labcorp and PXE International).

NM_001171.6(ABCC6):c.1999del (p.Ala667fs)

Gene: ABCC6 (ATP binding cassette subfamily C member 6; minus strand). Cytogenetic location: 16p13.11.
Variant type: Deletion.
Coding change: c.1999del on transcript NM_001171.6 (MANE Select); coding-DNA position 1999, one base deleted (G; older notation c.1999delG).
Protein change: p.Ala667fs; shifts the reading frame from alanine 667.
Molecular consequence: frameshift variant. On other transcripts: non-coding transcript variant (1).
Genome position (GRCh38, 1-based): chr16:16,182,875, C deleted on the plus strand (G on the coding strand, the reverse complement: ABCC6 is on the minus strand); the first of 5 consecutive C bases (chr16:16,182,875-16,182,879); deleting any one gives the same sequence. VCF-style (leftmost placement, unchanged base first): chr16-16182874-GC-G. GRCh37 (hg19) VCF-style: chr16-16276731-GC-G.
Other names: ABCC6_00069; c.1999delG (NM_001171.5); c.1995delG (NM_001171.5); c.1657del, p.Ala553fs (NM_001351800.1); short protein forms A553fs, A667fs.
Identifiers: ClinVar variation 433256 (VCV000433256.15), dbSNP rs72664227, ClinGen allele CA7926058.